The following is an entry in ClinVar:

NM_006231.4(POLE):c.1167C>G (p.Phe389Leu)

Gene: POLE (DNA polymerase epsilon, catalytic subunit; minus strand). Cytogenetic location: 12q24.33.
Variant type: single nucleotide variant.
Coding change: c.1167C>G on transcript NM_006231.4 (MANE Select); coding-DNA position 1167, C replaced by G.
Protein change: p.Phe389Leu; replaces phenylalanine 389 with leucine.
Molecular consequence: missense variant.
Genome position (GRCh38, 1-based): chr12:132,675,457, G>C on the plus strand (C>G on the coding strand, the complement: POLE is on the minus strand). VCF-style: chr12-132675457-G-C. GRCh37 (hg19) VCF-style: chr12-133252043-G-C.
Other names: short protein forms F389L.
Identifiers: ClinVar variation 1357745 (VCV001357745.8), dbSNP rs2136008950, ClinGen allele CA387360918.

ClinVar aggregate classification (germline): Uncertain significance (1 of 4 stars; one submission).

Submission:

Labcorp Genetics (formerly Invitae), Labcorp
Classification: Uncertain significance. Last evaluated: 2025-05-04. Review status: criteria provided, single submitter. Criteria: Invitae Variant Classification Sherloc (09022015). Collection method: clinical testing. Allele origin: germline.
Comment: This sequence change replaces phenylalanine, which is neutral and non-polar, with leucine, which is neutral and non-polar, at codon 389 of the POLE protein (p.Phe389Leu). This variant is not present in population databases (gnomAD no frequency). This variant has not been reported in the literature in individuals affected with POLE-related conditions. ClinVar contains an entry for this variant (Variation ID: 1357745). Invitae Evidence Modeling of protein sequence and biophysical properties (such as structural, functional, and spatial information, amino acid conservation, physicochemical variation, residue mobility, and thermodynamic stability) indicates that this missense variant is not expected to disrupt POLE protein function with a negative predictive value of 80%. In summary, the available evidence is currently insufficient to determine the role of this variant in disease. Therefore, it has been classified as a Variant of Uncertain Significance.